The following is an entry in ClinVar:

ClinVar aggregate classification (germline): Uncertain significance. Review status: criteria provided, multiple submitters, no conflicts (2 of 4 stars). 2 submissions from 2 submitters: Uncertain significance (2). Last evaluated 2025-12-27.

Conditions:
Inborn genetic diseases. Identifiers: MedGen C0950123, MeSH D030342.

Submissions (2):

Ambry Genetics
Classification: Uncertain significance for Inborn genetic diseases. Last evaluated: 2025-12-27. Review status: criteria provided, single submitter. Criteria: Ambry Variant Classification Scheme 2023. Collection method: clinical testing. Allele origin: germline.
Comment: The p.E1018D variant (also known as c.3054G>T), located in coding exon 1 of the SAMD9L gene, results from a G to T substitution at nucleotide position 3054. The glutamic acid at codon 1018 is replaced by aspartic acid, an amino acid with highly similar properties. This amino acid position is conserved. In addition, this alteration is predicted to be tolerated by in silico analysis. Based on the available evidence, the clinical significance of this variant remains unclear.

GeneDx
Classification: Uncertain significance. Last evaluated: 2024-10-22. Review status: criteria provided, single submitter. Criteria: GeneDx Variant Classification Process June 2021. Collection method: clinical testing. Allele origin: germline. Affected: yes.
Comment: Not observed at significant frequency in large population cohorts (gnomAD); In silico analysis indicates that this missense variant does not alter protein structure/function; Has not been previously published as pathogenic or benign to our knowledge; This variant is associated with the following publications: (PMID: 28545555)

NM_152703.5(SAMD9L):c.3054G>T (p.Glu1018Asp)

Gene: SAMD9L (sterile alpha motif domain containing 9 like; minus strand). Cytogenetic location: 7q21.2.
Variant type: single nucleotide variant.
Coding change: c.3054G>T on transcript NM_152703.5 (MANE Select); coding-DNA position 3054, G replaced by T.
Protein change: p.Glu1018Asp; replaces glutamic acid 1018 with aspartic acid.
Molecular consequence: missense variant.
Genome position (GRCh38, 1-based): chr7:93,132,918, C>A on the plus strand (G>T on the coding strand, the complement: SAMD9L is on the minus strand). VCF-style: chr7-93132918-C-A. GRCh37 (hg19) VCF-style: chr7-92762231-C-A.
Other names: c.3054G>T, p.Glu1018Asp (NM_001303496.3, NM_001303497.3, NM_001303498.3 and 5 more transcripts); c.3054G>T (NM_152703.2); short protein forms E1018D.
Identifiers: ClinVar variation 3893530 (VCV003893530.2).
Genomic context (GRCh38, chr7:93,132,918, plus strand): 5'-AAGAGTTTGAACATCATGTTGAAATTTGTCTCTTCCTATTCCAGAATCATAGAATAAATT[C>A]TCTTCTAATATATTCAATGCAATTTGACATTTATCCAAGTGATAGCTTCTTTCCAGTTCT-3'
Protein context (NP_689916.2, residues 1008-1028): KCQIALNILE[Glu1018Asp]NLFYDSGIGR